The following is an entry in ClinVar:

ClinVar aggregate classification (germline): Uncertain significance. Review status: criteria provided, multiple submitters, no conflicts (2 of 4 stars). 2 submissions from 2 submitters: Uncertain significance (2). Last evaluated 2024-02-07.

Conditions:
Chuvash polycythemia. Also called: POLYCYTHEMIA, VHL-DEPENDENT. Identifiers: Orphanet 238557, MedGen C1837915, MONDO:0009892, OMIM 263400.
Von Hippel-Lindau syndrome (VHLS). Also called: von Hippel–Lindau syndrome; VHL syndrome; Von Hippel-Lindau. Identifiers: Orphanet 892, MedGen C0019562, MONDO:0008667, OMIM 193300. Disease mechanism: loss of function.

Submissions (2):

Baylor Genetics
Classification: Uncertain significance for Chuvash polycythemia. Last evaluated: 2024-02-07. Review status: criteria provided, single submitter. Criteria: ACMG Guidelines, 2015. Collection method: clinical testing. Allele origin: unknown.

Labcorp Genetics (formerly Invitae), Labcorp
Classification: Uncertain significance for Von Hippel-Lindau syndrome; Chuvash polycythemia. Last evaluated: 2023-04-12. Review status: criteria provided, single submitter. Criteria: Invitae Variant Classification Sherloc (09022015). Collection method: clinical testing. Allele origin: germline.
Comment: In summary, the available evidence is currently insufficient to determine the role of this variant in disease. Therefore, it has been classified as a Variant of Uncertain Significance. Advanced modeling of protein sequence and biophysical properties (such as structural, functional, and spatial information, amino acid conservation, physicochemical variation, residue mobility, and thermodynamic stability) performed at Invitae indicates that this missense variant is expected to disrupt VHL protein function. ClinVar contains an entry for this variant (Variation ID: 2089752). This variant has not been reported in the literature in individuals affected with VHL-related conditions. This variant is not present in population databases (gnomAD no frequency). This sequence change replaces glutamine, which is neutral and polar, with arginine, which is basic and polar, at codon 145 of the VHL protein (p.Gln145Arg).

NM_000551.4(VHL):c.434A>G (p.Gln145Arg)

Genes: VHL (von Hippel-Lindau tumor suppressor; plus strand), LOC107303340 (3p25 von Hippel-Lindau tumor suppressor, E3 ubiquitin protein ligase Alu-mediated recombination region; plus strand). Cytogenetic location: 3p25.3.
Variant type: single nucleotide variant.
Coding change: c.434A>G on transcript NM_000551.4 (MANE Select); coding-DNA position 434, A replaced by G.
Protein change: p.Gln145Arg; replaces glutamine 145 with arginine.
Molecular consequence: missense variant. On other transcripts: intron variant (2).
Genome position (GRCh38, 1-based): chr3:10,146,607, A>G. VCF-style: chr3-10146607-A-G. GRCh37 (hg19) VCF-style: chr3-10188291-A-G.
Other names: c.*18-3180A>G (NM_001354723.2); c.341-3180A>G (NM_198156.3); short protein forms Q145R.
Identifiers: ClinVar variation 2089752 (VCV002089752.5), dbSNP rs864622313, ClinGen allele CA351754226.